The following is an entry in ClinVar:

ClinVar aggregate classification (germline): Uncertain significance (1 of 4 stars; one submission).

Conditions:
Pallister-Hall syndrome (PHS). Also called: GLI3-Related Pallister-Hall Syndrome; HYPOTHALAMIC HAMARTOBLASTOMA, HYPOPITUITARISM, IMPERFORATE ANUS, AND POSTAXIAL POLYDACTYLY. Identifiers: Orphanet 672, MedGen C0265220, MONDO:0007804, OMIM 146510.
Greig cephalopolysyndactyly syndrome (GCPS). Also called: POLYSYNDACTYLY WITH PECULIAR SKULL SHAPE; Greig syndrome; GLI3-Related Greig Cephalopolysyndactyly Syndrome. Identifiers: Orphanet 380, MedGen C0265306, MONDO:0008287, OMIM 175700.

Allele frequency attached by ClinVar (database versions not stated): gnomAD exomes below 0.00001.
gnomAD v4.1: 2 of 1,613,582 alleles (0.00012%); highest among the groups gnomAD compares: South Asian, 0.0011%; no homozygotes.

Submission:

Labcorp Genetics (formerly Invitae), Labcorp
Classification: Uncertain significance for Pallister-Hall syndrome; Greig cephalopolysyndactyly syndrome. Last evaluated: 2022-07-06. Review status: criteria provided, single submitter. Criteria: Invitae Variant Classification Sherloc (09022015). Collection method: clinical testing. Allele origin: germline.
Comment: In summary, the available evidence is currently insufficient to determine the role of this variant in disease. Therefore, it has been classified as a Variant of Uncertain Significance. Algorithms developed to predict the effect of missense changes on protein structure and function are either unavailable or do not agree on the potential impact of this missense change (SIFT: "Deleterious"; PolyPhen-2: "Possibly Damaging"; Align-GVGD: "Class C0"). ClinVar contains an entry for this variant (Variation ID: 1353322). This variant has not been reported in the literature in individuals affected with GLI3-related conditions. This variant is not present in population databases (gnomAD no frequency). This sequence change replaces histidine, which is basic and polar, with asparagine, which is neutral and polar, at codon 1515 of the GLI3 protein (p.His1515Asn).

NM_000168.6(GLI3):c.4543C>A (p.His1515Asn)

Gene: GLI3 (GLI family zinc finger 3; minus strand). Cytogenetic location: 7p14.1.
Variant type: single nucleotide variant.
Coding change: c.4543C>A on transcript NM_000168.6 (MANE Select); coding-DNA position 4543, C replaced by A.
Protein change: p.His1515Asn; replaces histidine 1515 with asparagine.
Molecular consequence: missense variant.
Genome position (GRCh38, 1-based): chr7:41,964,530, G>T on the plus strand (C>A on the coding strand, the complement: GLI3 is on the minus strand). VCF-style: chr7-41964530-G-T. GRCh37 (hg19) VCF-style: chr7-42004128-G-T.
Other names: short protein forms H1515N.
Identifiers: ClinVar variation 1353322 (VCV001353322.6), dbSNP rs2128704805, ClinGen allele CA367314794.